The following is an entry in ClinVar:

ClinVar aggregate classification (germline): Likely pathogenic. Review status: criteria provided, multiple submitters, no conflicts (2 of 4 stars). 2 submissions from 2 submitters: Likely pathogenic (2). Last evaluated 2020-01-22.

Conditions:
PPARG-related familial partial lipodystrophy. Also called: LIPODYSTROPHY, FAMILIAL PARTIAL, ASSOCIATED WITH PPARG MUTATIONS. Identifiers: Orphanet 79083, MedGen C1720861, MONDO:0011448, OMIM 604367.

Allele frequency attached by ClinVar (database versions not stated): gnomAD exomes below 0.00001; TOPMed 0.00001; ESP Exome Variant Server 0.00008.
gnomAD v4.1: 1 of 1,613,780 alleles (0.000062%); highest among the groups gnomAD compares: Admixed American, 0.0017%; no homozygotes.

Submissions (2):

Broad Center for Mendelian Genomics, Broad Institute of MIT and Harvard
Classification: Likely pathogenic for PPARG-related familial partial lipodystrophy. Last evaluated: 2020-01-22. Review status: criteria provided, single submitter. Criteria: ACMG Guidelines, 2015. Collection method: curation. Allele origin: germline. Inheritance: Autosomal dominant inheritance.
Comment: The p.Arg194Gln variant in PPARG has been reported in 2 individuals suspected to have Familial Partial Lipodystrophy (PMID: 27749844), and has also been reported likely pathogenic in ClinVar (Variation ID: 436397). This variant was absent from large population studies. In vitro functional studies provide some evidence that the p.Arg194Gln variant may eliminate protein function (PMID: 27749844). However, these types of assays may not accurately represent biological function. Computational prediction tools and conservation analyses suggest that this variant may impact the protein, though this information is not predictive enough to determine pathogenicity. One additional variant, causing a different amino acid change at the same position, p.Arg194Trp, has been reported in association with disease in the literature, slightly supporting that a change at this position may not be tolerated (PMID: 17299075; DOI: 10.1530/endoabs.41.GP59). In summary, although additional studies are required to fully establish its clinical significance, this variant is likely pathogenic. ACMG/AMP Criteria applied: PS3, PM2, PP3, PM5_Supporting (Richards 2015).

Genetic Services Laboratory, University of Chicago
Classification: Likely pathogenic for Lipodystrophy, familial partial, type 3. Last evaluated: 2016-08-08. Review status: criteria provided, single submitter. Criteria: ACMG Guidelines, 2015. Collection method: clinical testing. Allele origin: germline. Affected: yes.

NM_138711.6(PPARG):c.491G>A (p.Arg164Gln)

Gene: PPARG (peroxisome proliferator activated receptor gamma; plus strand). Cytogenetic location: 3p25.2.
Variant type: single nucleotide variant.
Coding change: c.491G>A on transcript NM_138711.6 (MANE Select); coding-DNA position 491, G replaced by A.
Protein change: p.Arg164Gln; replaces arginine 164 with glutamine.
Molecular consequence: missense variant.
Genome position (GRCh38, 1-based): chr3:12,392,714, G>A. VCF-style: chr3-12392714-G-A. GRCh37 (hg19) VCF-style: chr3-12434213-G-A.
Other names: c.581G>A (NM_015869.4); c.491G>A, p.Arg164Gln (NM_001330615.4, NM_001354666.3, NM_001354667.3 and 6 more transcripts); c.581G>A, p.Arg194Gln (NM_001354668.2, NM_001374265.1, NM_015869.5); c.64G>A, p.Gly22Ser (NM_001354669.2); c.497G>A, p.Arg166Gln (NM_001354670.2, NM_001374266.1); short protein forms R166Q, R194Q, G22S, R164Q.
Identifiers: ClinVar variation 436397 (VCV000436397.8), dbSNP rs148195788, ClinGen allele CA70181654.